The following is an entry in ClinVar:

NM_001113378.2(FANCI):c.2711T>A (p.Ile904Asn)

Gene: FANCI (FA complementation group I; plus strand). Cytogenetic location: 15q26.1.
Variant type: single nucleotide variant.
Coding change: c.2711T>A on transcript NM_001113378.2 (MANE Select); coding-DNA position 2711, T replaced by A.
Protein change: p.Ile904Asn; replaces isoleucine 904 with asparagine.
Molecular consequence: missense variant.
Genome position (GRCh38, 1-based): chr15:89,299,874, T>A. VCF-style: chr15-89299874-T-A. GRCh37 (hg19) VCF-style: chr15-89843105-T-A.
Other names: c.2432T>A, p.Ile811Asn (NM_001376910.1); c.2711T>A, p.Ile904Asn (NM_001376911.1); c.2531T>A, p.Ile844Asn (NM_018193.3); short protein forms I811N, I904N, I844N.
Identifiers: ClinVar variation 1958789 (VCV001958789.5), dbSNP rs1169824507, ClinGen allele CA393736824.

ClinVar aggregate classification (germline): Uncertain significance (1 of 4 stars; one submission).

Conditions:
Fanconi anemia (FA). Also called: Fanconi's anemia. Identifiers: Orphanet 84, MedGen C0015625, MeSH D005199, MONDO:0019391.

Allele frequency attached by ClinVar (database versions not stated): gnomAD exomes below 0.00001.
gnomAD v4.1: 2 of 1,614,086 alleles (0.00012%); highest among the groups gnomAD compares: East Asian, 0.0022%; no homozygotes.

Submission:

Labcorp Genetics (formerly Invitae), Labcorp
Classification: Uncertain significance for Fanconi anemia. Last evaluated: 2023-10-24. Review status: criteria provided, single submitter. Criteria: Invitae Variant Classification Sherloc (09022015). Collection method: clinical testing. Allele origin: germline.
Comment: This sequence change replaces isoleucine, which is neutral and non-polar, with asparagine, which is neutral and polar, at codon 904 of the FANCI protein (p.Ile904Asn). This variant is present in population databases (no rsID available, gnomAD 0.006%). This variant has not been reported in the literature in individuals affected with FANCI-related conditions. ClinVar contains an entry for this variant (Variation ID: 1958789). An algorithm developed to predict the effect of missense changes on protein structure and function (PolyPhen-2) suggests that this variant is likely to be tolerated. In summary, the available evidence is currently insufficient to determine the role of this variant in disease. Therefore, it has been classified as a Variant of Uncertain Significance.